The following is an entry in ClinVar:

ClinVar aggregate classification (germline): Uncertain significance (1 of 4 stars; one submission).

Conditions:
Neuronopathy, distal hereditary motor, autosomal recessive 4. Also called: Autosomal recessive lower motor neuron disease with childhood onset; NEUROPATHY, DISTAL HEREDITARY MOTOR, AUTOSOMAL RECESSIVE 4. Identifiers: Orphanet 206580, MedGen C1970211, MONDO:0012608, OMIM 611067.
Charcot-Marie-Tooth disease recessive intermediate C. Also called: CHARCOT-MARIE-TOOTH NEUROPATHY, RECESSIVE INTERMEDIATE C. Identifiers: Orphanet 369867, MedGen C3809309, MONDO:0014154, OMIM 615376.

gnomAD v4.1: 5 of 1,577,148 alleles (0.00032%); highest among the groups gnomAD compares: Non-Finnish European, 0.00043%; no homozygotes.

Submission:

Labcorp Genetics (formerly Invitae), Labcorp
Classification: Uncertain significance for Neuronopathy, distal hereditary motor, autosomal recessive 4; Charcot-Marie-Tooth disease recessive intermediate C. Last evaluated: 2022-06-04. Review status: criteria provided, single submitter. Criteria: Invitae Variant Classification Sherloc (09022015). Collection method: clinical testing. Allele origin: germline.
Comment: In summary, the available evidence is currently insufficient to determine the role of this variant in disease. Therefore, it has been classified as a Variant of Uncertain Significance. Algorithms developed to predict the effect of missense changes on protein structure and function are either unavailable or do not agree on the potential impact of this missense change (SIFT: "Deleterious"; PolyPhen-2: "Probably Damaging"; Align-GVGD: "Class C0"). ClinVar contains an entry for this variant (Variation ID: 943959). This variant has not been reported in the literature in individuals affected with PLEKHG5-related conditions. This variant is not present in population databases (gnomAD no frequency). This sequence change replaces lysine, which is basic and polar, with methionine, which is neutral and non-polar, at codon 490 of the PLEKHG5 protein (p.Lys490Met).

NM_020631.6(PLEKHG5):c.1469A>T (p.Lys490Met)

Gene: PLEKHG5 (pleckstrin homology and RhoGEF domain containing G5; minus strand). Cytogenetic location: 1p36.31.
Variant type: single nucleotide variant.
Coding change: c.1469A>T on transcript NM_020631.6 (MANE Select); coding-DNA position 1469, A replaced by T.
Protein change: p.Lys490Met; replaces lysine 490 with methionine.
Molecular consequence: missense variant.
Genome position (GRCh38, 1-based): chr1:6,470,808, T>A on the plus strand (A>T on the coding strand, the complement: PLEKHG5 is on the minus strand). VCF-style: chr1-6470808-T-A. GRCh37 (hg19) VCF-style: chr1-6530868-T-A.
Other names: c.1469A>T, p.Lys490Met (NM_198681.4, NM_001042664.2, NM_001042665.2 and 1 more transcripts); c.1580A>T, p.Lys527Met (NM_001042663.3, NM_001265592.2); c.1676A>T, p.Lys559Met (NM_001265593.2); short protein forms K527M, K559M, K490M.
Identifiers: ClinVar variation 943959 (VCV000943959.10), dbSNP rs534760199, ClinGen allele CA338126713.
Genomic context (GRCh38, chr1:6,470,808, plus strand): 5'-GCCTCCTTGGCGCGCGGCTCCTCGGTCTTCCTCAGCACCGACTTGAGCAGCAGCGGGTAC[T>A]TGGTGAGCCGCTGGTGGGGTTTGGCCAGCATGTCGCTCAGCTTCAGCCTCTGGCACTGTG-3'
Protein context (NP_065682.2, residues 480-500): MLAKPHQRLT[Lys490Met]YPLLLKSVLR